The following is an entry in ClinVar:

ClinVar aggregate classification (germline): Uncertain significance (1 of 4 stars; one submission).

Conditions:
Hereditary pancreatitis (PCTT). Also called: Hereditary chronic pancreatitis; PRSS1-Related Hereditary Pancreatitis. Identifiers: Orphanet 676, MedGen C0238339, MONDO:0008185, OMIM 167800.

Submission:

Ambry Genetics
Classification: Uncertain significance for Hereditary pancreatitis. Last evaluated: 2025-09-29. Review status: criteria provided, single submitter. Criteria: Ambry Variant Classification Scheme 2023. Collection method: clinical testing. Allele origin: germline.
Comment: The p.T242A variant (also known as c.724A>G), located in coding exon 5 of the PRSS1 gene, results from an A to G substitution at nucleotide position 724. The threonine at codon 242 is replaced by alanine, an amino acid with similar properties. This amino acid position is conserved. In addition, the in silico prediction for this alteration is inconclusive. Based on the available evidence, the clinical significance of this variant remains unclear.

NM_002769.5(PRSS1):c.724A>G (p.Thr242Ala)

Genes: TRB (T cell receptor beta locus; plus strand), PRSS1 (serine protease 1; plus strand). Cytogenetic location: 7q34.
Variant type: single nucleotide variant.
Coding change: c.724A>G on transcript NM_002769.5 (MANE Select); coding-DNA position 724, A replaced by G.
Protein change: p.Thr242Ala; replaces threonine 242 with alanine.
Molecular consequence: missense variant. On other transcripts: non-coding transcript variant (5).
Genome position (GRCh38, 1-based): chr7:142,753,000, A>G. VCF-style: chr7-142753000-A-G. GRCh37 (hg19) VCF-style: chr7-142460851-A-G.
Other names: short protein forms T242A.
Identifiers: ClinVar variation 4560632 (VCV004560632.1).